The following is an entry in ClinVar:

ClinVar aggregate classification (germline): Uncertain significance. Review status: criteria provided, multiple submitters, no conflicts (2 of 4 stars). 2 submissions from 2 submitters: Uncertain significance (2). Last evaluated 2025-06-12.

Conditions:
Orofaciodigital syndrome type 6 (OFD6). Also called: OFDS VI; OROFACIODIGITAL SYNDROME VI; POLYDACTYLY, CLEFT LIP/PALATE OR LINGUAL LUMP, AND PSYCHOMOTOR RETARDATION; VARADI SYNDROME; VARADI-PAPP SYNDROME; Oral-facial-digital syndrome type 6. Identifiers: Orphanet 2754, MedGen C2745997, MONDO:0010176, OMIM 277170.
Joubert syndrome 17 (JBTS17). Identifiers: Orphanet 475, MedGen C3553264, MONDO:0013824, OMIM 614615.

Allele frequency attached by ClinVar (database versions not stated): TOPMed below 0.00001; 1000 Genomes Project 30x 0.00016; 1000 Genomes Project 0.00020.
gnomAD v4.1: 2 of 1,614,204 alleles (0.00012%); highest among the groups gnomAD compares: African/African-American, 0.0027%; no homozygotes.

Submissions (2):

Labcorp Genetics (formerly Invitae), Labcorp
Classification: Uncertain significance. Last evaluated: 2025-06-12. Review status: criteria provided, single submitter. Criteria: Invitae Variant Classification Sherloc (09022015). Collection method: clinical testing. Allele origin: germline.
Comment: This sequence change replaces tyrosine, which is neutral and polar, with cysteine, which is neutral and slightly polar, at codon 2188 of the CPLANE1 protein (p.Tyr2188Cys). This variant is not present in population databases (gnomAD no frequency). This variant has not been reported in the literature in individuals affected with CPLANE1-related conditions. ClinVar contains an entry for this variant (Variation ID: 2062144). Invitae Evidence Modeling of protein sequence and biophysical properties (such as structural, functional, and spatial information, amino acid conservation, physicochemical variation, residue mobility, and thermodynamic stability) indicates that this missense variant is not expected to disrupt CPLANE1 protein function with a negative predictive value of 95%. In summary, the available evidence is currently insufficient to determine the role of this variant in disease. Therefore, it has been classified as a Variant of Uncertain Significance.

Fulgent Genetics
Classification: Uncertain significance for Orofaciodigital syndrome type 6; Joubert syndrome 17. Last evaluated: 2024-05-28. Review status: criteria provided, single submitter. Criteria: ACMG Guidelines, 2015. Collection method: clinical testing. Allele origin: germline.

NM_001384732.1(CPLANE1):c.6563A>G (p.Tyr2188Cys)

Gene: CPLANE1 (ciliogenesis and planar polarity effector complex subunit 1; minus strand). Cytogenetic location: 5p13.2.
Variant type: single nucleotide variant.
Coding change: c.6563A>G on transcript NM_001384732.1 (MANE Select); coding-DNA position 6563, A replaced by G.
Protein change: p.Tyr2188Cys; replaces tyrosine 2188 with cysteine.
Molecular consequence: missense variant.
Genome position (GRCh38, 1-based): chr5:37,169,461, T>C on the plus strand (A>G on the coding strand, the complement: CPLANE1 is on the minus strand). VCF-style: chr5-37169461-T-C. GRCh37 (hg19) VCF-style: chr5-37169563-T-C.
Other names: c.6563A>G (NM_023073.3); c.6563A>G, p.Tyr2188Cys (NM_023073.4); short protein forms Y2188C.
Identifiers: ClinVar variation 2062144 (VCV002062144.4), dbSNP rs540226094, ClinGen allele CA117054830.
Genomic context (GRCh38, chr5:37,169,461, plus strand): 5'-TTCTGAACAACAGAAGGTGTGGACAAAAGGTAGAGGTGAGTATTTCCAGCAGGAGCTGGA[T>C]AAAACGAAGTGGATGGTAAGTTTTGAGATGATGGAATTGGTCCTTTTTTCCGGGGCTGGC-3'
Protein context (NP_001371661.1, residues 2178-2198): SSQNLPSTSF[Tyr2188Cys]PAPAGNTHLY